The following is an entry in ClinVar:

NM_007315.4(STAT1):c.1159A>G (p.Thr387Ala)

Gene: STAT1 (signal transducer and activator of transcription 1; minus strand). Cytogenetic location: 2q32.2.
Variant type: single nucleotide variant.
Coding change: c.1159A>G on transcript NM_007315.4 (MANE Select); coding-DNA position 1159, A replaced by G.
Protein change: p.Thr387Ala; replaces threonine 387 with alanine.
Molecular consequence: missense variant.
Genome position (GRCh38, 1-based): chr2:190,986,916, T>C on the plus strand (A>G on the coding strand, the complement: STAT1 is on the minus strand). VCF-style: chr2-190986916-T-C. GRCh37 (hg19) VCF-style: chr2-191851642-T-C.
Other names: c.1099A>G, p.Thr367Ala (NM_001384880.1); c.1165A>G, p.Thr389Ala (NM_001384881.1, NM_001384884.1); c.1153A>G, p.Thr385Ala (NM_001384882.1); c.1060A>G, p.Thr354Ala (NM_001384883.1); c.1000A>G, p.Thr334Ala (NM_001384885.1); c.1159A>G, p.Thr387Ala (NM_001384886.1, NM_001384889.1, NM_139266.3); c.1066A>G, p.Thr356Ala (NM_001384887.1); c.1129A>G, p.Thr377Ala (NM_001384888.1); and 2 more; short protein forms T354A, T387A, T399A, T334A, T377A, T356A, T367A, T385A.
Identifiers: ClinVar variation 2203239 (VCV002203239.4), dbSNP rs2470465465, ClinGen allele CA349919112.

ClinVar aggregate classification (germline): Pathogenic (1 of 4 stars; one submission).

Conditions:
Immunodeficiency 31B. Also called: STAT1 DEFICIENCY, AUTOSOMAL RECESSIVE; IMMUNODEFICIENCY 31B, MYCOBACTERIAL AND VIRAL INFECTIONS, AUTOSOMAL RECESSIVE. Identifiers: Orphanet 391311, MedGen C3151088, MONDO:0013427, OMIM 613796.
Autoimmune enteropathy and endocrinopathy - susceptibility to chronic infections syndrome. Also called: Immunodeficiency 31C, autosomal dominant; Immunodeficiency 31C. Identifiers: Orphanet 391487, MedGen C3279990, MONDO:0013599, OMIM 614162.
Mendelian susceptibility to mycobacterial diseases due to partial STAT1 deficiency. Also called: IMMUNODEFICIENCY 31A, MYCOBACTERIOSIS, AUTOSOMAL DOMINANT; STAT1 DEFICIENCY, AUTOSOMAL DOMINANT; Immunodeficiency 31a. Identifiers: Orphanet 319595, MedGen C4013950, MONDO:0013956, OMIM 614892.

Submission:

Labcorp Genetics (formerly Invitae), Labcorp
Classification: Pathogenic for Mendelian susceptibility to mycobacterial diseases due to partial STAT1 deficiency; Immunodeficiency 31B; Autoimmune enteropathy and endocrinopathy - susceptibility to chronic infections syndrome. Last evaluated: 2022-06-12. Review status: criteria provided, single submitter. Criteria: Invitae Variant Classification Sherloc (09022015). Collection method: clinical testing. Allele origin: germline.
Comment: For these reasons, this variant has been classified as Pathogenic. Experimental studies have shown that this missense change affects STAT1 function (PMID: 33096415). Algorithms developed to predict the effect of missense changes on protein structure and function (SIFT, PolyPhen-2, Align-GVGD) all suggest that this variant is likely to be tolerated. This missense change has been observed in individual(s) with mucocutaneous candidiasis (PMID: 25662309, 26467763; Invitae). In at least one individual the variant was observed to be de novo. This variant is not present in population databases (gnomAD no frequency). This sequence change replaces threonine, which is neutral and polar, with alanine, which is neutral and non-polar, at codon 387 of the STAT1 protein (p.Thr387Ala).

Literature cited by the submitters: PubMed 33096415; PubMed 25662309; PubMed 26467763.